The following is an entry in ClinVar:

ClinVar aggregate classification (germline): Uncertain significance (1 of 4 stars; one submission).

gnomAD v4.1: 1 of 1,614,018 alleles (0.000062%); highest among the groups gnomAD compares: Non-Finnish European, 0.000085%; no homozygotes.

Submission:

GeneDx
Classification: Uncertain significance. Last evaluated: 2026-03-18. Review status: criteria provided, single submitter. Criteria: GeneDx Variant Classification Process June 2021. Collection method: clinical testing. Allele origin: germline.
Comment: Not observed at significant frequency in large population cohorts (gnomAD); In silico analysis suggests that this missense variant does not alter protein structure/function; Has not been previously published as pathogenic or benign to our knowledge

NM_003321.5(TUFM):c.357C>G (p.Ser119Arg)

Gene: TUFM (Tu translation elongation factor, mitochondrial; minus strand). Cytogenetic location: 16p11.2.
Variant type: single nucleotide variant.
Coding change: c.357C>G on transcript NM_003321.5 (MANE Select); coding-DNA position 357, C replaced by G.
Protein change: p.Ser119Arg; replaces serine 119 with arginine.
Molecular consequence: missense variant.
Genome position (GRCh38, 1-based): chr16:28,845,371, G>C on the plus strand (C>G on the coding strand, the complement: TUFM is on the minus strand). VCF-style: chr16-28845371-G-C. GRCh37 (hg19) VCF-style: chr16-28856692-G-C.
Other names: c.357C>G, p.Ser119Arg (NM_001365360.2); short protein forms S119R.
Identifiers: ClinVar variation 5008836 (VCV005008836.1).
Genomic context (GRCh38, chr16:28,845,371, plus strand): 5'-CACCTTAACATAATCTGCATGACCCGGGCAGTCTGTGTGGGCGTAGTGGCGGGCGGCAGT[G>C]CTATACTCCACATGAGCCGCATTGATGGTGATACCCCGAGCTCGCTCCTCCGGGGCATTG-3'
Protein context (NP_003312.3, residues 109-129): ITINAAHVEY[Ser119Arg]TAARHYAHTD